The following is an entry in ClinVar:

ClinVar aggregate classification (germline): Uncertain significance (1 of 4 stars; one submission).

Conditions:
Developmental and epileptic encephalopathy, 31A. Also called: Epileptic encephalopathy, early infantile, 31; Developmental and epileptic encephalopathy, 31. Identifiers: Orphanet 2382, MedGen C4225357, MONDO:0014598, OMIM 616346.

Allele frequency attached by ClinVar (database versions not stated): gnomAD exomes below 0.00001.
gnomAD v4.1: 1 of 1,612,234 alleles (0.000062%); highest among the groups gnomAD compares: Non-Finnish European, 0.000085%; no homozygotes.

Submission:

Labcorp Genetics (formerly Invitae), Labcorp
Classification: Uncertain significance for Developmental and epileptic encephalopathy, 31A. Last evaluated: 2022-11-03. Review status: criteria provided, single submitter. Criteria: Invitae Variant Classification Sherloc (09022015). Collection method: clinical testing. Allele origin: germline.
Comment: Algorithms developed to predict the effect of sequence changes on RNA splicing suggest that this variant may disrupt the consensus splice site. This variant has not been reported in the literature in individuals affected with DNM1-related conditions. This variant is not present in population databases (gnomAD no frequency). This sequence change falls in intron 9 of the DNM1 gene. It does not directly change the encoded amino acid sequence of the DNM1 protein. In summary, the available evidence is currently insufficient to determine the role of this variant in disease. Therefore, it has been classified as a Variant of Uncertain Significance.

NM_004408.4(DNM1):c.1197-10G>A

Gene: DNM1 (dynamin 1; plus strand). Cytogenetic location: 9q34.11.
Variant type: single nucleotide variant.
Coding change: c.1197-10G>A on transcript NM_004408.4 (MANE Select); 10 bases into the intron before coding-DNA position 1197, G replaced by A.
Molecular consequence: intron variant.
Genome position (GRCh38, 1-based): chr9:128,224,241, G>A. VCF-style: chr9-128224241-G-A. GRCh37 (hg19) VCF-style: chr9-130986520-G-A.
Other names: c.1197-10G>A (NM_001005336.3, NM_001374269.1); c.1196+1381G>A (NM_001288738.2, NM_001288737.2, NM_001288739.2).
Identifiers: ClinVar variation 2800690 (VCV002800690.3), dbSNP rs2539004756, ClinGen allele CA2691873204.